The following is an entry in ClinVar:

ClinVar aggregate classification (germline): Uncertain significance. Review status: criteria provided, multiple submitters, no conflicts (2 of 4 stars). 4 submissions from 4 submitters: Uncertain significance (3). 1 of the submissions does not count toward it. Last evaluated 2025-01-29.

Conditions:
Bardet-Biedl syndrome 6 (BBS6). Identifiers: Orphanet 110, MedGen C1858054, MONDO:0011523, OMIM 605231.
McKusick-Kaufman syndrome (MKKS). Also called: HYDROMETROCOLPOS SYNDROME; HYDROMETROCOLPOS, POSTAXIAL POLYDACTYLY, AND CONGENITAL HEART MALFORMATION. Identifiers: Orphanet 2473, MedGen C0948368, MONDO:0009367, OMIM 236700.
MKKS-related disorder. Also called: MKKS-related condition; MKKS-related disorders.
Bardet-Biedl syndrome (BBS). Identifiers: Orphanet 110, MedGen C0752166, MONDO:0015229.
Inborn genetic diseases. Identifiers: MedGen C0950123, MeSH D030342.

Allele frequency attached by ClinVar (database versions not stated): gnomAD 0.00001; TOPMed 0.00002.
gnomAD v4.1: 3 of 1,614,096 alleles (0.00019%); highest among the groups gnomAD compares: Admixed American, 0.0017%; no homozygotes.

Submissions (4):

Ambry Genetics
Classification: Uncertain significance for Inborn genetic diseases. Last evaluated: 2025-01-29. Review status: criteria provided, single submitter. Criteria: Ambry Variant Classification Scheme 2023. Collection method: clinical testing. Allele origin: germline.

Fulgent Genetics
Classification: Uncertain significance for McKusick-Kaufman syndrome; Bardet-Biedl syndrome 6. Last evaluated: 2024-04-16. Review status: criteria provided, single submitter. Criteria: ACMG Guidelines, 2015. Collection method: clinical testing. Allele origin: germline.

Labcorp Genetics (formerly Invitae), Labcorp
Classification: Uncertain significance for McKusick-Kaufman syndrome; Bardet-Biedl syndrome. Last evaluated: 2022-04-21. Review status: criteria provided, single submitter. Criteria: Invitae Variant Classification Sherloc (09022015). Collection method: clinical testing. Allele origin: germline.
Comment: In summary, the available evidence is currently insufficient to determine the role of this variant in disease. Therefore, it has been classified as a Variant of Uncertain Significance. Algorithms developed to predict the effect of missense changes on protein structure and function are either unavailable or do not agree on the potential impact of this missense change (SIFT: "Deleterious"; PolyPhen-2: "Possibly Damaging"; Align-GVGD: "Class C0"). This variant has not been reported in the literature in individuals affected with MKKS-related conditions. This variant is present in population databases (no rsID available, gnomAD no frequency). This sequence change replaces leucine, which is neutral and non-polar, with methionine, which is neutral and non-polar, at codon 11 of the MKKS protein (p.Leu11Met).

PreventionGenetics, part of Exact Sciences
Classification: Uncertain significance for MKKS-related condition. Last evaluated: 2024-02-26. Review status: no assertion criteria provided. Collection method: clinical testing. Allele origin: germline. Not counted in ClinVar's aggregate classification.
Comment: The MKKS c.31T>A variant is predicted to result in the amino acid substitution p.Leu11Met. To our knowledge, this variant has not been reported in the literature. This variant is reported in 0.0% of alleles in individuals of African descent in gnomAD. At this time, the clinical significance of this variant is uncertain due to the absence of conclusive functional and genetic evidence.

NM_170784.3(MKKS):c.31T>A (p.Leu11Met)

Gene: MKKS (MKKS centrosomal shuttling protein; minus strand). Cytogenetic location: 20p12.2.
Variant type: single nucleotide variant.
Coding change: c.31T>A on transcript NM_170784.3 (MANE Select); coding-DNA position 31, T replaced by A.
Protein change: p.Leu11Met; replaces leucine 11 with methionine.
Molecular consequence: missense variant.
Genome position (GRCh38, 1-based): chr20:10,413,484, A>T on the plus strand (T>A on the coding strand, the complement: MKKS is on the minus strand). VCF-style: chr20-10413484-A-T. GRCh37 (hg19) VCF-style: chr20-10394132-A-T.
Other names: c.31T>A, p.Leu11Met (NM_018848.3); c.31T>A (NM_018848.2); short protein forms L11M.
Identifiers: ClinVar variation 1380636 (VCV001380636.11), dbSNP rs1443376346, ClinGen allele CA408233975.